The following is an entry in ClinVar:

ClinVar aggregate classification (germline): Uncertain significance (1 of 4 stars; one submission).

Conditions:
Acromesomelic dysplasia 1, Maroteaux type (AMD1). Also called: ACROMESOMELIC DYSPLASIA 1; ST. HELENA DYSPLASIA. Identifiers: Orphanet 40, MedGen C1864356, MONDO:0011275, OMIM 602875.
Tall stature-scoliosis-macrodactyly of the great toes syndrome. Also called: Epiphyseal chondrodysplasia, miura type. Identifiers: Orphanet 329191, MedGen C4014690, MONDO:0014401, OMIM 615923.

Allele frequency attached by ClinVar (database versions not stated): TOPMed below 0.00001; gnomAD 0.00001; gnomAD exomes 0.00001.
gnomAD v4.1: 12 of 1,613,118 alleles (0.00074%); highest among the groups gnomAD compares: Admixed American, 0.0083%; no homozygotes.

Submission:

Labcorp Genetics (formerly Invitae), Labcorp
Classification: Uncertain significance for Tall stature-scoliosis-macrodactyly of the great toes syndrome; Acromesomelic dysplasia 1, Maroteaux type. Last evaluated: 2025-06-12. Review status: criteria provided, single submitter. Criteria: Invitae Variant Classification Sherloc (09022015). Collection method: clinical testing. Allele origin: germline.
Comment: This sequence change affects codon 374 of the NPR2 mRNA. It is a 'silent' change, meaning that it does not change the encoded amino acid sequence of the NPR2 protein. It affects a nucleotide within the consensus splice site. This variant is present in population databases (no rsID available, gnomAD 0.009%). This variant has not been reported in the literature in individuals affected with NPR2-related conditions. ClinVar contains an entry for this variant (Variation ID: 2174750). Algorithms developed to predict the effect of sequence changes on RNA splicing suggest that this variant is not likely to affect RNA splicing. In summary, the available evidence is currently insufficient to determine the role of this variant in disease. Therefore, it has been classified as a Variant of Uncertain Significance.

NM_003995.4(NPR2):c.1122C>T (p.His374=)

Gene: NPR2 (natriuretic peptide receptor 2; plus strand). Cytogenetic location: 9p13.3.
Variant type: single nucleotide variant.
Coding change: c.1122C>T on transcript NM_003995.4 (MANE Select); coding-DNA position 1122, C replaced by T.
Protein change: p.His374=; no amino-acid change (histidine 374 retained).
Molecular consequence: synonymous variant.
Genome position (GRCh38, 1-based): chr9:35,800,156, C>T. VCF-style: chr9-35800156-C-T. GRCh37 (hg19) VCF-style: chr9-35800153-C-T.
Other names: c.1122C>T, p.His374= (NM_001378923.1).
Identifiers: ClinVar variation 2174750 (VCV002174750.4), dbSNP rs1221228005, ClinGen allele CA464457679.